The following is an entry in ClinVar:

NM_002432.3(MNDA):c.761T>A (p.Ile254Asn)

Gene: MNDA (myeloid cell nuclear differentiation antigen; plus strand). Cytogenetic location: 1q23.1.
Variant type: single nucleotide variant.
Coding change: c.761T>A on transcript NM_002432.3 (MANE Select); coding-DNA position 761, T replaced by A.
Protein change: p.Ile254Asn; replaces isoleucine 254 with asparagine.
Molecular consequence: missense variant.
Genome position (GRCh38, 1-based): chr1:158,845,777, T>A. VCF-style: chr1-158845777-T-A. GRCh37 (hg19) VCF-style: chr1-158815567-T-A.
Other names: short protein forms I254N.
Identifiers: ClinVar variation 1759841 (VCV001759841.2), dbSNP rs536275913, ClinGen allele CA1185703.

ClinVar aggregate classification (germline): Uncertain significance (1 of 4 stars; one submission).

Allele frequency attached by ClinVar (database versions not stated): gnomAD 0.00001; ExAC 0.00004; 1000 Genomes Project 0.00020; 1000 Genomes Project 30x 0.00031.
gnomAD v4.1: 11 of 1,614,088 alleles (0.00068%); highest among the groups gnomAD compares: South Asian, 0.011%; no homozygotes.

Submission:

Ambry Genetics
Classification: Uncertain significance. Last evaluated: 2022-03-25. Review status: criteria provided, single submitter. Criteria: Ambry Variant Classification Scheme 2023. Collection method: clinical testing. Allele origin: germline.
Comment: The p.I254N variant (also known as c.761T>A), located in coding exon 4 of the MNDA gene, results from a T to A substitution at nucleotide position 761. The isoleucine at codon 254 is replaced by asparagine, an amino acid with dissimilar properties. This amino acid position is conserved. In addition, this alteration is predicted to be tolerated by in silico analysis. Since supporting evidence is limited at this time, the clinical significance of this alteration remains unclear.